The following is an entry in ClinVar:

ClinVar aggregate classification (germline): Pathogenic/Likely pathogenic. Review status: criteria provided, multiple submitters, no conflicts (2 of 4 stars). 2 submissions from 2 submitters: Pathogenic (1); Likely pathogenic (1). Last evaluated 2024-04-27.

Conditions:
Ellis-van Creveld syndrome (EVC). Also called: EVC-Related Ellis-van Creveld Syndrome; EVC2-Related Ellis-van Creveld Syndrome; MESOECTODERMAL DYSPLASIA; Chondroectodermal dysplasia. Identifiers: Orphanet 289, MedGen C0013903, MONDO:0009162, OMIM 225500.
Curry-Hall syndrome (WAD). Also called: WEYERS ACRODENTAL DYSOSTOSIS. Identifiers: Orphanet 952, MedGen C0457013, MONDO:0008673, OMIM 193530.

Submissions (2):

Fulgent Genetics
Classification: Likely pathogenic for Curry-Hall syndrome; Ellis-van Creveld syndrome. Last evaluated: 2024-04-27. Review status: criteria provided, single submitter. Criteria: ACMG Guidelines, 2015. Collection method: clinical testing. Allele origin: germline.

Labcorp Genetics (formerly Invitae), Labcorp
Classification: Pathogenic for Curry-Hall syndrome; Ellis-van Creveld syndrome. Last evaluated: 2021-04-13. Review status: criteria provided, single submitter. Criteria: Invitae Variant Classification Sherloc (09022015). Collection method: clinical testing. Allele origin: germline.
Comment: This sequence change creates a premature translational stop signal (p.Trp39*) in the EVC2 gene. It is expected to result in an absent or disrupted protein product. Loss-of-function variants in EVC2 are known to be pathogenic (PMID: 17024374, 19810119, 19876929). For these reasons, this variant has been classified as Pathogenic. This variant has not been reported in the literature in individuals with EVC2-related conditions. The frequency data for this variant in the population databases is considered unreliable, as metrics indicate insufficient coverage at this position in the ExAC database.

Literature cited by the submitters: PubMed 17024374 (cited by Labcorp Genetics (formerly Invitae), Labcorp); PubMed 19810119 (cited by Labcorp Genetics (formerly Invitae), Labcorp); PubMed 19876929 (cited by Labcorp Genetics (formerly Invitae), Labcorp).

NM_147127.5(EVC2):c.117G>A (p.Trp39Ter)

Gene: EVC2 (EvC ciliary complex subunit 2; minus strand). Cytogenetic location: 4p16.2.
Variant type: single nucleotide variant.
Coding change: c.117G>A on transcript NM_147127.5 (MANE Select); coding-DNA position 117, G replaced by A.
Protein change: p.Trp39Ter; replaces tryptophan 39 with a stop codon.
Molecular consequence: nonsense. On other transcripts: intron variant (1).
Genome position (GRCh38, 1-based): chr4:5,708,397, C>T on the plus strand (G>A on the coding strand, the complement: EVC2 is on the minus strand). VCF-style: chr4-5708397-C-T. GRCh37 (hg19) VCF-style: chr4-5710124-C-T.
Other names: c.-13+432G>A (NM_001166136.2); short protein forms W39*.
Identifiers: ClinVar variation 1455523 (VCV001455523.8), dbSNP rs2151750059, ClinGen allele CA356154768.